The following is an entry in ClinVar:

NM_000465.4(BARD1):c.1124del (p.Thr375fs)

Gene: BARD1 (BRCA1 associated RING domain 1; minus strand). Cytogenetic location: 2q35.
Variant type: Deletion.
Coding change: c.1124del on transcript NM_000465.4 (MANE Select); coding-DNA position 1124, one base deleted (C; older notation c.1124delC).
Protein change: p.Thr375fs; shifts the reading frame from threonine 375.
Molecular consequence: frameshift variant. On other transcripts: non-coding transcript variant (2), intron variant (3).
Genome position (GRCh38, 1-based): chr2:214,780,750, G deleted on the plus strand (C on the coding strand, the reverse complement: BARD1 is on the minus strand). VCF-style (leftmost placement, unchanged base first): chr2-214780749-TG-T. GRCh37 (hg19) VCF-style: chr2-215645473-TG-T.
Other names: c.1067del, p.Thr356fs (NM_001282543.2); c.159-28195del (NM_001282548.2); c.215+16311del (NM_001282545.2); c.364+11547del (NM_001282549.2); short protein forms T356fs, T375fs.
Identifiers: ClinVar variation 2583356 (VCV002583356.2), dbSNP rs2469503482, ClinGen allele CA2582342101.

ClinVar aggregate classification (germline): Pathogenic (1 of 4 stars; one submission).

Conditions:
Familial cancer of breast. Also called: Hereditary breast cancer; BREAST CANCER, FAMILIAL; hereditary breast carcinoma. Identifiers: Orphanet 227535, MedGen C0346153, MONDO:0016419, OMIM 114480. Disease mechanism: loss of function.

Submission:

Myriad Genetics, Inc.
Classification: Pathogenic for Familial cancer of breast. Last evaluated: 2023-05-22. Review status: criteria provided, single submitter. Criteria: Myriad Autosomal Dominant, Autosomal Recessive and X-Linked Classification Criteria (2023). Collection method: clinical testing. Allele origin: unknown.
Comment: This variant is considered pathogenic. This variant creates a frameshift predicted to result in premature protein truncation.